The following is an entry in ClinVar:

ClinVar aggregate classification (germline): Uncertain significance (1 of 4 stars; one submission).

Submission:

Women's Health and Genetics/Laboratory Corporation of America, LabCorp
Classification: Uncertain significance. Last evaluated: 2024-05-28. Review status: criteria provided, single submitter. Criteria: LabCorp Variant Classification Summary - May 2015. Collection method: clinical testing. Allele origin: germline.
Comment: Variant summary: FLG c.8294C>T (p.Ser2765Phe) results in a non-conservative amino acid change in the encoded protein sequence. Three of five in-silico tools predict a damaging effect of the variant on protein function. The variant allele was found at a frequency of 8.4e-05 in 250206 control chromosomes. This frequency is not significantly higher than estimated for a pathogenic variant in FLG causing Ichthyosis Vulgaris, allowing no conclusion about variant significance. To our knowledge, no occurrence of c.8294C>T in individuals affected with Ichthyosis Vulgaris and no experimental evidence demonstrating its impact on protein function have been reported. No submitters have cited clinical-significance assessments for this variant to ClinVar. Based on the evidence outlined above, the variant was classified as uncertain significance.

NM_002016.2(FLG):c.8294C>T (p.Ser2765Phe)

Genes: CCDST (cervical cancer associated DHX9 suppressive transcript; plus strand), FLG (filaggrin; minus strand). Cytogenetic location: 1q21.3.
Variant type: single nucleotide variant.
Coding change: c.8294C>T on transcript NM_002016.2 (MANE Select); coding-DNA position 8294, C replaced by T.
Protein change: p.Ser2765Phe; replaces serine 2765 with phenylalanine.
Molecular consequence: missense variant.
Genome position (GRCh38, 1-based): chr1:152,306,592, G>A on the plus strand (C>T on the coding strand, the complement: FLG is on the minus strand). VCF-style: chr1-152306592-G-A. GRCh37 (hg19) VCF-style: chr1-152279068-G-A.
Other names: short protein forms S2765F.
Identifiers: ClinVar variation 3336337 (VCV003336337.1).